The following is an entry in ClinVar:

NM_004807.3(HS6ST1):c.856C>T (p.Arg286Trp)

Gene: HS6ST1 (heparan sulfate 6-O-sulfotransferase 1; minus strand). Cytogenetic location: 2q14.3.
Variant type: single nucleotide variant.
Coding change: c.856C>T on transcript NM_004807.3 (MANE Select); coding-DNA position 856, C replaced by T.
Protein change: p.Arg286Trp; replaces arginine 286 with tryptophan.
Molecular consequence: missense variant.
Genome position (GRCh38, 1-based): chr2:128,268,542, G>A on the plus strand (C>T on the coding strand, the complement: HS6ST1 is on the minus strand). VCF-style: chr2-128268542-G-A. GRCh37 (hg19) VCF-style: chr2-129026116-G-A.
Other names: short protein forms R286W.
Identifiers: ClinVar variation 3610513 (VCV003610513.2).

ClinVar aggregate classification (germline): Uncertain significance (1 of 4 stars; one submission).

gnomAD v4.1: 22 of 1,600,820 alleles (0.0014%); highest among the groups gnomAD compares: African/African-American, 0.0027%; no homozygotes.

Submission:

Labcorp Genetics (formerly Invitae), Labcorp
Classification: Uncertain significance. Last evaluated: 2024-12-12. Review status: criteria provided, single submitter. Criteria: Invitae Variant Classification Sherloc (09022015). Collection method: clinical testing. Allele origin: germline.
Comment: This sequence change replaces arginine, which is basic and polar, with tryptophan, which is neutral and slightly polar, at codon 286 of the HS6ST1 protein (p.Arg286Trp). The frequency data for this variant in the population databases is considered unreliable, as metrics indicate poor data quality at this position in the gnomAD database. This variant has not been reported in the literature in individuals affected with HS6ST1-related conditions. Invitae Evidence Modeling of protein sequence and biophysical properties (such as structural, functional, and spatial information, amino acid conservation, physicochemical variation, residue mobility, and thermodynamic stability) indicates that this missense variant is not expected to disrupt HS6ST1 protein function with a negative predictive value of 80%. In summary, the available evidence is currently insufficient to determine the role of this variant in disease. Therefore, it has been classified as a Variant of Uncertain Significance.